The following is an entry in ClinVar:

NM_001613.4(ACTA2):c.78C>T (p.Asp26=)

Gene: ACTA2 (actin alpha 2, smooth muscle; minus strand). Cytogenetic location: 10q23.31.
Variant type: single nucleotide variant.
Coding change: c.78C>T on transcript NM_001613.4 (MANE Select); coding-DNA position 78, C replaced by T.
Protein change: p.Asp26=; no amino-acid change (aspartic acid 26 retained).
Molecular consequence: synonymous variant.
Genome position (GRCh38, 1-based): chr10:88,948,853, G>A on the plus strand (C>T on the coding strand, the complement: ACTA2 is on the minus strand). VCF-style: chr10-88948853-G-A. GRCh37 (hg19) VCF-style: chr10-90708610-G-A.
Other names: c.78C>T, p.Asp26= (NM_001141945.3, NM_001320855.2, NM_001406462.1 and 7 more transcripts).
Identifiers: ClinVar variation 263386 (VCV000263386.20), dbSNP rs141538225, ClinGen allele CA029481.

ClinVar aggregate classification (germline): Benign/Likely benign. Review status: criteria provided, multiple submitters, no conflicts (2 of 4 stars). 5 submissions from 5 submitters: Benign (1); Likely benign (4). Last evaluated 2025-12-02.

Conditions:
Familial thoracic aortic aneurysm and aortic dissection (TAAD). Also called: Thoracic aortic aneurysms and dissections. Identifiers: Orphanet 91387, MedGen C4707243, MONDO:0019625.
Aortic aneurysm, familial thoracic 6 (AAT6). Also called: FAMILIAL THORACIC AORTIC ANEURYSM WITH LIVEDO RETICULARIS AND IRIS FLOCCULI. Identifiers: MedGen C2673186, MONDO:0012730, OMIM 611788.

Allele frequency attached by ClinVar (database versions not stated): 1000 Genomes Project 0.00020; ESP Exome Variant Server 0.00031; TOPMed 0.00041; gnomAD 0.00010; 1000 Genomes Project 30x 0.00016.
gnomAD v4.1: 109 of 1,613,930 alleles (0.0068%); highest among the groups gnomAD compares: African/African-American, 0.091%; 1 homozygote.

Submissions (5):

Labcorp Genetics (formerly Invitae), Labcorp
Classification: Benign for Aortic aneurysm, familial thoracic 6. Last evaluated: 2025-12-02. Review status: criteria provided, single submitter. Criteria: Invitae Variant Classification Sherloc (09022015). Collection method: clinical testing. Allele origin: germline.

Blueprint Genetics
Classification: Likely benign. Last evaluated: 2024-11-25. Review status: criteria provided, single submitter. Criteria: ACMG Guidelines, 2015. Collection method: clinical testing. Allele origin: germline.

All of Us Research Program, National Institutes of Health
Classification: Likely benign for Familial thoracic aortic aneurysm and aortic dissection. Last evaluated: 2023-12-13. Review status: criteria provided, single submitter. Criteria: ACMG Guidelines, 2015. Collection method: clinical testing. Allele origin: germline. Inheritance: Autosomal dominant inheritance. Observed: 17 variant alleles, 17 heterozygotes.
Comment: This study involves interpretation of variants in research participants for the purpose of population health screening. Participant phenotype was not available at the time of variant classification. Additional details can be found in publication PMID: 35346344, PMCID: PMC8962531

Ambry Genetics
Classification: Likely benign for Familial thoracic aortic aneurysm and aortic dissection. Last evaluated: 2023-04-11. Review status: criteria provided, single submitter. Criteria: Ambry Variant Classification Scheme 2023. Collection method: clinical testing. Allele origin: germline.

Color Diagnostics, LLC DBA Color Health
Classification: Likely benign for Familial thoracic aortic aneurysm and aortic dissection. Last evaluated: 2018-12-05. Review status: criteria provided, single submitter. Criteria: ACMG Guidelines, 2015. Collection method: clinical testing. Allele origin: germline.